The following is an entry in ClinVar:

NM_020166.5(MCCC1):c.1820G>A (p.Ser607Asn)

Gene: MCCC1 (methylcrotonyl-CoA carboxylase subunit 1; minus strand). Cytogenetic location: 3q27.1.
Variant type: single nucleotide variant.
Coding change: c.1820G>A on transcript NM_020166.5 (MANE Select); coding-DNA position 1820, G replaced by A.
Protein change: p.Ser607Asn; replaces serine 607 with asparagine.
Molecular consequence: missense variant. On other transcripts: non-coding transcript variant (2).
Genome position (GRCh38, 1-based): chr3:183,022,466, C>T on the plus strand (G>A on the coding strand, the complement: MCCC1 is on the minus strand). VCF-style: chr3-183022466-C-T. GRCh37 (hg19) VCF-style: chr3-182740254-C-T.
Other names: c.1469G>A, p.Ser490Asn (NM_001293273.2); c.1493G>A, p.Ser498Asn (NM_001363880.1); short protein forms S490N, S498N, S607N.
Identifiers: ClinVar variation 3350243 (VCV003350243.3).

ClinVar aggregate classification (germline): Uncertain significance. Review status: criteria provided, single submitter (1 of 4 stars). 2 submissions from 2 submitters: Uncertain significance (1). 1 of the submissions does not count toward it. Last evaluated 2024-11-11.

Conditions:
3-methylcrotonyl-CoA carboxylase 1 deficiency (MCC1D). Also called: MCCD TYPE 1; METHYLCROTONYLGLYCINURIA TYPE I; MCC 1 deficiency; 3 Alpha methylcrotonylglycinuria 1. Identifiers: Orphanet 6, MedGen CN028786, MONDO:0008861, OMIM 210200.
MCCC1-related disorder. Also called: MCCC1-related condition.

gnomAD v4.1: 19 of 1,613,988 alleles (0.0012%); highest among the groups gnomAD compares: African/African-American, 0.025%; no homozygotes.

Submissions (2):

Labcorp Genetics (formerly Invitae), Labcorp
Classification: Uncertain significance for 3-methylcrotonyl-CoA carboxylase 1 deficiency. Last evaluated: 2024-11-11. Review status: criteria provided, single submitter. Criteria: Invitae Variant Classification Sherloc (09022015). Collection method: clinical testing. Allele origin: germline.
Comment: This sequence change replaces serine, which is neutral and polar, with asparagine, which is neutral and polar, at codon 607 of the MCCC1 protein (p.Ser607Asn). This variant is present in population databases (rs769931491, gnomAD 0.02%). This variant has not been reported in the literature in individuals affected with MCCC1-related conditions. Invitae Evidence Modeling of protein sequence and biophysical properties (such as structural, functional, and spatial information, amino acid conservation, physicochemical variation, residue mobility, and thermodynamic stability) has been performed for this missense variant. However, the output from this modeling did not meet the statistical confidence thresholds required to predict the impact of this variant on MCCC1 protein function. In summary, the available evidence is currently insufficient to determine the role of this variant in disease. Therefore, it has been classified as a Variant of Uncertain Significance.

PreventionGenetics, part of Exact Sciences
Classification: Uncertain significance for MCCC1-related condition. Last evaluated: 2024-04-02. Review status: no assertion criteria provided. Collection method: clinical testing. Allele origin: germline. Not counted in ClinVar's aggregate classification.
Comment: The MCCC1 c.1820G>A variant is predicted to result in the amino acid substitution p.Ser607Asn. To our knowledge, this variant has not been reported in the literature. This variant is reported in 0.020% of alleles in individuals of African descent in gnomAD. At this time, the clinical significance of this variant is uncertain due to the absence of conclusive functional and genetic evidence.